The following is an entry in ClinVar:

ClinVar aggregate classification (germline): Conflicting classifications of pathogenicity. Review status: criteria provided, conflicting classifications (1 of 4 stars). 4 submissions from 4 submitters: Uncertain significance (3); Likely benign (1). Last evaluated 2024-03-15.

Conditions:
Inborn genetic diseases. Identifiers: MedGen C0950123, MeSH D030342.
Imerslund-Grasbeck syndrome type 1 (IGS1). Also called: Megaloblastic anemia 1, Finnish type; MEGALOBLASTIC ANEMIA, 1; Imerslund-Gräsbeck syndrome 1. Identifiers: MedGen C4016819, MONDO:0100156, OMIM 261100.
Imerslund-Grasbeck syndrome. Also called: ENTEROCYTE COBALAMIN MALABSORPTION; ENTEROCYTE INTRINSIC FACTOR RECEPTOR, DEFECT OF; Imerslund-Gräsbeck syndrome; PERNICIOUS ANEMIA, JUVENILE, DUE TO SELECTIVE INTESTINAL MALABSORPTION OF VITAMIN B12, WITH PROTEINURIA; Megaloblastic anemia due to inborn errors of metabolism. Identifiers: Orphanet 35858, MedGen C4551825, MONDO:0009853.

Allele frequency attached by ClinVar (database versions not stated): TOPMed 0.00025; 1000 Genomes Project 30x 0.00031; 1000 Genomes Project 0.00040.
gnomAD v4.1: 347 of 1,614,084 alleles (0.021%); highest among the groups gnomAD compares: Admixed American, 0.093%; 1 homozygote.

Submissions (4):

Ambry Genetics
Classification: Likely benign for Inborn genetic diseases. Last evaluated: 2024-03-15. Review status: criteria provided, single submitter. Criteria: Ambry Variant Classification Scheme 2023. Collection method: clinical testing. Allele origin: germline.

Blueprint Genetics
Classification: Uncertain significance. Last evaluated: 2023-08-08. Review status: criteria provided, single submitter. Criteria: ACMG Guidelines, 2015. Collection method: clinical testing. Allele origin: germline.

Labcorp Genetics (formerly Invitae), Labcorp
Classification: Uncertain significance for Imerslund-Grasbeck syndrome. Last evaluated: 2022-03-24. Review status: criteria provided, single submitter. Criteria: Invitae Variant Classification Sherloc (09022015). Collection method: clinical testing. Allele origin: germline.
Comment: This sequence change replaces valine, which is neutral and non-polar, with glycine, which is neutral and non-polar, at codon 1762 of the CUBN protein (p.Val1762Gly). This variant is present in population databases (rs149164899, gnomAD 0.07%). This variant has not been reported in the literature in individuals affected with CUBN-related conditions. ClinVar contains an entry for this variant (Variation ID: 299467). Algorithms developed to predict the effect of missense changes on protein structure and function are either unavailable or do not agree on the potential impact of this missense change (SIFT: "Deleterious"; PolyPhen-2: "Possibly Damaging"; Align-GVGD: "Class C0"). In summary, the available evidence is currently insufficient to determine the role of this variant in disease. Therefore, it has been classified as a Variant of Uncertain Significance.

Illumina Laboratory Services, Illumina
Classification: Uncertain significance for Imerslund-Grasbeck syndrome type 1. Last evaluated: 2018-01-13. Review status: criteria provided, single submitter. Criteria: ICSL Variant Classification Criteria 13 December 2019. Collection method: clinical testing. Allele origin: germline.

NM_001081.4(CUBN):c.5285T>G (p.Val1762Gly)

Gene: CUBN (cubilin; minus strand). Cytogenetic location: 10p13.
Variant type: single nucleotide variant.
Coding change: c.5285T>G on transcript NM_001081.4 (MANE Select); coding-DNA position 5285, T replaced by G.
Protein change: p.Val1762Gly; replaces valine 1762 with glycine.
Molecular consequence: missense variant.
Genome position (GRCh38, 1-based): chr10:16,947,292, A>C on the plus strand (T>G on the coding strand, the complement: CUBN is on the minus strand). VCF-style: chr10-16947292-A-C. GRCh37 (hg19) VCF-style: chr10-16989291-A-C.
Other names: short protein forms V1762G.
Identifiers: ClinVar variation 299467 (VCV000299467.11), dbSNP rs149164899, ClinGen allele CA5424067.